The following is an entry in ClinVar:

ClinVar aggregate classification (germline): Uncertain significance (0 of 4 stars; one submission).

Conditions:
CASP8-related disorder. Also called: CASP8-related condition.

gnomAD v4.1: 203 of 1,613,308 alleles (0.013%); highest among the groups gnomAD compares: African/African-American, 0.26%; no homozygotes.

Submission:

PreventionGenetics, part of Exact Sciences
Classification: Uncertain significance for CASP8-related condition. Last evaluated: 2024-04-24. Review status: no assertion criteria provided. Collection method: clinical testing. Allele origin: germline.
Comment: The CASP8 c.772+3A>G variant is predicted to interfere with splicing. To our knowledge, this variant has not been reported in the literature. This variant is reported in 0.20% of alleles in individuals of African descent in gnomAD, which may be too common to be causative. Although we suspect that this variant may be benign, at this time, the clinical significance of this variant is uncertain due to the absence of conclusive functional and genetic evidence.

NM_001372051.1(CASP8):c.595+3A>G

Gene: CASP8 (caspase 8; plus strand). Cytogenetic location: 2q33.1.
Variant type: single nucleotide variant.
Coding change: c.595+3A>G on transcript NM_001372051.1 (MANE Select); 3 bases into the intron after coding-DNA position 595, A replaced by G.
Molecular consequence: intron variant.
Genome position (GRCh38, 1-based): chr2:201,272,945, A>G. VCF-style: chr2-201272945-A-G. GRCh37 (hg19) VCF-style: chr2-202137668-A-G.
Other names: c.646+169A>G (NM_001228.5); c.595+3A>G (NM_001400651.1, NM_001400657.1, NM_001400648.1 and 9 more transcripts); c.550+169A>G (NM_001400663.1, NM_001400660.1, NM_001080124.2 and 7 more transcripts); c.18+169A>G (NM_001400677.1, NM_001400751.1, NM_001400678.1 and 2 more transcripts); c.286+3A>G (NM_001400669.1); c.-21+3A>G (NM_001400680.1); c.772+3A>G (NM_001080125.2); c.727+169A>G (NM_001400642.1, NM_001400665.1); and 3 more.
Identifiers: ClinVar variation 3350473 (VCV003350473.1).